The following is an entry in ClinVar:

ClinVar aggregate classification (germline): Uncertain significance (1 of 4 stars; one submission).

gnomAD v4.1: 15 of 1,614,126 alleles (0.00093%); highest among the groups gnomAD compares: Middle Eastern, 0.049%; no homozygotes.

Submission:

Labcorp Genetics (formerly Invitae), Labcorp
Classification: Uncertain significance. Last evaluated: 2026-01-24. Review status: criteria provided, single submitter. Criteria: Invitae Variant Classification Sherloc (09022015). Collection method: clinical testing. Allele origin: germline.
Comment: This sequence change replaces glutamic acid, which is acidic and polar, with glutamine, which is neutral and polar, at codon 310 of the REN protein (p.Glu310Gln). This variant is present in population databases (rs763928168, gnomAD 0.0009%). This variant has not been reported in the literature in individuals affected with REN-related conditions. Invitae Evidence Modeling of protein sequence and biophysical properties (such as structural, functional, and spatial information, amino acid conservation, physicochemical variation, residue mobility, and thermodynamic stability) indicates that this missense variant is not expected to disrupt REN protein function with a negative predictive value of 80%. In summary, the available evidence is currently insufficient to determine the role of this variant in disease. Therefore, it has been classified as a Variant of Uncertain Significance.

NM_000537.4(REN):c.928G>C (p.Glu310Gln)

Gene: REN (renin; minus strand). Cytogenetic location: 1q32.1.
Variant type: single nucleotide variant.
Coding change: c.928G>C on transcript NM_000537.4 (MANE Select); coding-DNA position 928, G replaced by C.
Protein change: p.Glu310Gln; replaces glutamic acid 310 with glutamine.
Molecular consequence: missense variant.
Genome position (GRCh38, 1-based): chr1:204,156,210, C>G on the plus strand (G>C on the coding strand, the complement: REN is on the minus strand). VCF-style: chr1-204156210-C-G. GRCh37 (hg19) VCF-style: chr1-204125338-C-G.
Other names: short protein forms E310Q.
Identifiers: ClinVar variation 4690383 (VCV004690383.1).